The following is an entry in ClinVar:

NM_004655.4(AXIN2):c.1712+10G>A

Gene: AXIN2 (axin 2; minus strand). Cytogenetic location: 17q24.1.
Variant type: single nucleotide variant.
Coding change: c.1712+10G>A on transcript NM_004655.4 (MANE Select); 10 bases into the intron after coding-DNA position 1712, G replaced by A.
Molecular consequence: intron variant.
Genome position (GRCh38, 1-based): chr17:65,537,314, C>T on the plus strand (G>A on the coding strand, the complement: AXIN2 is on the minus strand). VCF-style: chr17-65537314-C-T. GRCh37 (hg19) VCF-style: chr17-63533432-C-T.
Other names: c.1712+10G>A (NM_004655.3, NM_001363813.1).
Identifiers: ClinVar variation 1100649 (VCV001100649.10), dbSNP rs374250367, ClinGen allele CA8718572.

ClinVar aggregate classification (germline): Likely benign. Review status: criteria provided, multiple submitters, no conflicts (2 of 4 stars). 3 submissions from 3 submitters: Likely benign (2). 1 of the submissions does not count toward it. Last evaluated 2026-01-11.

Conditions:
AXIN2-related disorder.
Oligodontia-cancer predisposition syndrome. Also called: TOOTH AGENESIS-COLORECTAL CANCER SYNDROME. Identifiers: Orphanet 300576, MedGen C1837750, MONDO:0012075, OMIM 608615. Disease mechanism: loss of function.

Allele frequency attached by ClinVar (database versions not stated): gnomAD exomes below 0.00001; ExAC 0.00001; ESP Exome Variant Server 0.00008.
gnomAD v4.1: 1 of 1,613,842 alleles (0.000062%); highest among the groups gnomAD compares: Non-Finnish European, 0.000085%; no homozygotes.

Submissions (3):

Labcorp Genetics (formerly Invitae), Labcorp
Classification: Likely benign for Oligodontia-cancer predisposition syndrome. Last evaluated: 2026-01-11. Review status: criteria provided, single submitter. Criteria: Invitae Variant Classification Sherloc (09022015). Collection method: clinical testing. Allele origin: germline.

Myriad Genetics, Inc.
Classification: Likely benign for Oligodontia-cancer predisposition syndrome. Last evaluated: 2024-07-08. Review status: criteria provided, single submitter. Criteria: Myriad Autosomal Dominant, Autosomal Recessive and X-Linked Classification Criteria (2023). Collection method: clinical testing. Allele origin: unknown.
Comment: This variant is considered likely benign. This variant is intronic and is not expected to impact mRNA splicing.

PreventionGenetics, part of Exact Sciences
Classification: Likely benign for AXIN2-related condition. Last evaluated: 2023-04-05. Review status: no assertion criteria provided. Collection method: clinical testing. Allele origin: germline. Not counted in ClinVar's aggregate classification.
Comment: This variant is classified as likely benign based on ACMG/AMP sequence variant interpretation guidelines (Richards et al. 2015 PMID: 25741868, with internal and published modifications).